The following is an entry in ClinVar:

NM_000297.4(PKD2):c.2333T>C (p.Met778Thr)

Gene: PKD2 (polycystin 2, transient receptor potential cation channel; plus strand). Cytogenetic location: 4q22.1.
Variant type: single nucleotide variant.
Coding change: c.2333T>C on transcript NM_000297.4 (MANE Select); coding-DNA position 2333, T replaced by C.
Protein change: p.Met778Thr; replaces methionine 778 with threonine.
Molecular consequence: missense variant. On other transcripts: non-coding transcript variant (1).
Genome position (GRCh38, 1-based): chr4:88,065,854, T>C. VCF-style: chr4-88065854-T-C. GRCh37 (hg19) VCF-style: chr4-88987006-T-C.
Other names: short protein forms M778T.
Identifiers: ClinVar variation 1396494 (VCV001396494.6), dbSNP rs2110138695, ClinGen allele CA357625386.

ClinVar aggregate classification (germline): Uncertain significance (1 of 4 stars; one submission).

Conditions:
Autosomal dominant polycystic kidney disease. Identifiers: Orphanet 730, MedGen C0085413, MONDO:0004691.

Submission:

Labcorp Genetics (formerly Invitae), Labcorp
Classification: Uncertain significance for Autosomal dominant polycystic kidney disease. Last evaluated: 2021-12-07. Review status: criteria provided, single submitter. Criteria: Invitae Variant Classification Sherloc (09022015). Collection method: clinical testing. Allele origin: germline.
Comment: This sequence change replaces methionine, which is neutral and non-polar, with threonine, which is neutral and polar, at codon 778 of the PKD2 protein (p.Met778Thr). This variant is not present in population databases (gnomAD no frequency). This variant has not been reported in the literature in individuals affected with PKD2-related conditions. Algorithms developed to predict the effect of missense changes on protein structure and function are either unavailable or do not agree on the potential impact of this missense change (SIFT: "Tolerated"; PolyPhen-2: "Probably Damaging"; Align-GVGD: "Class C0"). In summary, the available evidence is currently insufficient to determine the role of this variant in disease. Therefore, it has been classified as a Variant of Uncertain Significance.